The following is an entry in ClinVar:

NM_003680.4(YARS1):c.779T>C (p.Val260Ala)

Genes: YARS1 (tyrosyl-tRNA synthetase 1; minus strand), LOC126805688 (BRD4-independent group 4 enhancer GRCh37_chr1:33251929-33253128; plus strand). Cytogenetic location: 1p35.1.
Variant type: single nucleotide variant.
Coding change: c.779T>C on transcript NM_003680.4 (MANE Select); coding-DNA position 779, T replaced by C.
Protein change: p.Val260Ala; replaces valine 260 with alanine.
Molecular consequence: missense variant.
Genome position (GRCh38, 1-based): chr1:32,786,981, A>G on the plus strand (T>C on the coding strand, the complement: YARS1 is on the minus strand). VCF-style: chr1-32786981-A-G. GRCh37 (hg19) VCF-style: chr1-33252582-A-G.
Other names: short protein forms V260A.
Identifiers: ClinVar variation 2912070 (VCV002912070.3), dbSNP rs1242588872, ClinGen allele CA339685144.
Genomic context (GRCh38, chr1:32,786,981, plus strand): 5'-AGAAAACAGAGAGTGTTACCGGACTTAAGGGGAAAAAGGACATGCTTGATGAAGGACAGA[A>G]CCCCATTGTTCTCCACATTTCCTGGCTCACAGAAGGCCTTCTTCAGTTTTTTCTTCACAT-3'
Protein context (NP_003671.1, residues 250-270): CEPGNVENNG[Val260Ala]LSFIKHVLFP

ClinVar aggregate classification (germline): Uncertain significance (1 of 4 stars; one submission).

Conditions:
Charcot-Marie-Tooth disease dominant intermediate C (CMTDIC). Also called: CHARCOT-MARIE-TOOTH NEUROPATHY, DOMINANT INTERMEDIATE C. Identifiers: Orphanet 100045, MedGen C1842237, MONDO:0012012, OMIM 608323.

Allele frequency attached by ClinVar (database versions not stated): gnomAD exomes 0.00001; TOPMed 0.00001.
gnomAD v4.1: 6 of 1,613,876 alleles (0.00037%); highest among the groups gnomAD compares: Non-Finnish European, 0.00051%; no homozygotes.

Submission:

Labcorp Genetics (formerly Invitae), Labcorp
Classification: Uncertain significance for Charcot-Marie-Tooth disease dominant intermediate C. Last evaluated: 2025-04-07. Review status: criteria provided, single submitter. Criteria: Invitae Variant Classification Sherloc (09022015). Collection method: clinical testing. Allele origin: germline.
Comment: This sequence change replaces valine, which is neutral and non-polar, with alanine, which is neutral and non-polar, at codon 260 of the YARS protein (p.Val260Ala). This variant is not present in population databases (gnomAD no frequency). This variant has not been reported in the literature in individuals affected with YARS-related conditions. ClinVar contains an entry for this variant (Variation ID: 2912070). Invitae Evidence Modeling of protein sequence and biophysical properties (such as structural, functional, and spatial information, amino acid conservation, physicochemical variation, residue mobility, and thermodynamic stability) indicates that this missense variant is not expected to disrupt YARS protein function with a negative predictive value of 80%. In summary, the available evidence is currently insufficient to determine the role of this variant in disease. Therefore, it has been classified as a Variant of Uncertain Significance.